The following is an entry in ClinVar:

NM_001122681.2(SH3BP2):c.1421C>T (p.Thr474Ile)

Gene: SH3BP2 (SH3 domain binding protein 2; plus strand). Cytogenetic location: 4p16.3.
Variant type: single nucleotide variant.
Coding change: c.1421C>T on transcript NM_001122681.2 (MANE Select); coding-DNA position 1421, C replaced by T.
Protein change: p.Thr474Ile; replaces threonine 474 with isoleucine.
Molecular consequence: missense variant.
Genome position (GRCh38, 1-based): chr4:2,832,345, C>T. VCF-style: chr4-2832345-C-T. GRCh37 (hg19) VCF-style: chr4-2834072-C-T.
Other names: c.1505C>T, p.Thr502Ile (NM_001145855.2); c.1592C>T, p.Thr531Ile (NM_001145856.2); c.1421C>T, p.Thr474Ile (NM_003023.4); short protein forms T531I, T502I, T474I.
Identifiers: ClinVar variation 973670 (VCV000973670.6), dbSNP rs746860671, ClinGen allele CA2819543.

ClinVar aggregate classification (germline): Uncertain significance. Review status: criteria provided, single submitter (1 of 4 stars). 2 submissions from 2 submitters: Uncertain significance (1). 1 of the submissions does not count toward it. Last evaluated 2022-07-29.

Conditions:
Fibrous dysplasia of jaw (CRBM). Also called: Cherubism. Identifiers: Orphanet 184, MedGen C0008029, MONDO:0007315, OMIM 118400.

Allele frequency attached by ClinVar (database versions not stated): gnomAD exomes below 0.00001; ExAC 0.00001.
gnomAD v4.1: 2 of 1,614,066 alleles (0.00012%); highest among the groups gnomAD compares: South Asian, 0.0011%; no homozygotes.

Submissions (2):

Labcorp Genetics (formerly Invitae), Labcorp
Classification: Uncertain significance for Fibrous dysplasia of jaw. Last evaluated: 2022-07-29. Review status: criteria provided, single submitter. Criteria: Invitae Variant Classification Sherloc (09022015). Collection method: clinical testing. Allele origin: germline.
Comment: Algorithms developed to predict the effect of missense changes on protein structure and function are either unavailable or do not agree on the potential impact of this missense change (SIFT: "Deleterious"; PolyPhen-2: "Possibly Damaging"; Align-GVGD: "Class C0"). ClinVar contains an entry for this variant (Variation ID: 973670). This variant is also known as p.T531I. This missense change has been observed in individual(s) with clinical features of autoimmune lymphoproliferative syndrome (PMID: 34573280). This variant is present in population databases (rs746860671, gnomAD 0.0009%). This sequence change replaces threonine, which is neutral and polar, with isoleucine, which is neutral and non-polar, at codon 474 of the SH3BP2 protein (p.Thr474Ile). In summary, the available evidence is currently insufficient to determine the role of this variant in disease. Therefore, it has been classified as a Variant of Uncertain Significance.

UOSD Laboratory of Genetics & Genomics of Rare Diseases, Istituto Giannina Gaslini
Classification: Uncertain significance for Fibrous dysplasia of jaw. Last evaluated: 2020-05-21. Review status: no assertion criteria provided. Collection method: clinical testing. Allele origin: germline. Affected: yes. Observed: 1 variant allele. Not counted in ClinVar's aggregate classification.

Literature cited by the submitters: PubMed 34573280 (cited by Labcorp Genetics (formerly Invitae), Labcorp).